The following is an entry in ClinVar:

NM_000204.5(CFI):c.227C>G (p.Ala76Gly)

Gene: CFI (complement factor I; minus strand). Cytogenetic location: 4q25.
Variant type: single nucleotide variant.
Coding change: c.227C>G on transcript NM_000204.5 (MANE Select); coding-DNA position 227, C replaced by G.
Protein change: p.Ala76Gly; replaces alanine 76 with glycine.
Molecular consequence: missense variant. On other transcripts: non-coding transcript variant (3), intron variant (1).
Genome position (GRCh38, 1-based): chr4:109,766,655, G>C on the plus strand (C>G on the coding strand, the complement: CFI is on the minus strand). VCF-style: chr4-109766655-G-C. GRCh37 (hg19) VCF-style: chr4-110687811-G-C.
Other names: c.227C>G, p.Ala76Gly (NM_001318057.2, NM_001331035.2, NM_001375278.1 and 5 more transcripts); c.-127-4963C>G (NM_001375284.1); short protein forms A76G.
Identifiers: ClinVar variation 1028610 (VCV001028610.6), dbSNP rs1010351654, ClinGen allele CA103698269.
Genomic context (GRCh38, chr4:109,766,655, plus strand): 5'-GGATGAAGACATTCCAAACTCTTTTGTTGACAGTATGTTGGGAAGCTTCTCCTGTTAGTT[G>C]CACACACTGCAGTGCCATTCTTTGGGCACTGATACGGTAGTTTACAAACACAGGTGCCCT-3'
Protein context (NP_000195.3, residues 66-86): QCPKNGTAVC[Ala76Gly]TNRRSFPTYC

ClinVar aggregate classification (germline): Uncertain significance. Review status: criteria provided, multiple submitters, no conflicts (2 of 4 stars). 3 submissions from 3 submitters: Uncertain significance (3). Last evaluated 2025-09-26.

Conditions:
CFI-related disorder. Also called: CFI-related condition; CFI-related disorders. Identifiers: MedGen CN239325.
Atypical hemolytic-uremic syndrome with I factor anomaly. Also called: HEMOLYTIC UREMIC SYNDROME, ATYPICAL, SUSCEPTIBILITY TO, 3; AHUS, SUSCEPTIBILITY TO, 3. Identifiers: Orphanet 2134, MedGen C2752039, MONDO:0013041, OMIM 612923.

Allele frequency attached by ClinVar (database versions not stated): gnomAD exomes 0.00001; TOPMed 0.00001.
gnomAD v4.1: 11 of 1,614,154 alleles (0.00068%); highest among the groups gnomAD compares: Middle Eastern, 0.12%; no homozygotes.

Submissions (3):

Genomenon, Inc
Classification: Uncertain significance for CFI-related disorder. Last evaluated: 2025-09-26. Review status: criteria provided, single submitter. Criteria: Genomenon Sequence Variant Interpretation Standards - Updated. Collection method: curation. Allele origin: germline. Affected: yes.
Comment: CFI p.Ala76Gly (c.227C>G) is a missense variant that changes the amino acid at residue 76 from Alanine to Glycine. This variant has been observed in at least one proband affected with a CFI-related disorder (PMID:35619721). Functional studies have been reported; however, the significance of the findings remain unclear (PMID:35619721). It is absent or not present at a significant frequency in gnomAD. In silico models agree that this variant is not damaging. In conclusion, we classify CFI p.Ala76Gly (c.227C>G) as a variant of unknown significance.

Labcorp Genetics (formerly Invitae), Labcorp
Classification: Uncertain significance. Last evaluated: 2025-07-25. Review status: criteria provided, single submitter. Criteria: Invitae Variant Classification Sherloc (09022015). Collection method: clinical testing. Allele origin: germline.
Comment: This sequence change replaces alanine, which is neutral and non-polar, with glycine, which is neutral and non-polar, at codon 76 of the CFI protein (p.Ala76Gly). This variant is not present in population databases (gnomAD no frequency). This missense change has been observed in individual(s) with atypical hemolytic uremic syndrome (PMID: 35619721). ClinVar contains an entry for this variant (Variation ID: 1028610). Invitae Evidence Modeling of protein sequence and biophysical properties (such as structural, functional, and spatial information, amino acid conservation, physicochemical variation, residue mobility, and thermodynamic stability) indicates that this missense variant is not expected to disrupt CFI protein function with a negative predictive value of 80%. In summary, the available evidence is currently insufficient to determine the role of this variant in disease. Therefore, it has been classified as a Variant of Uncertain Significance.

Baylor Genetics
Classification: Uncertain significance for Atypical hemolytic-uremic syndrome with I factor anomaly. Last evaluated: 2019-08-17. Review status: criteria provided, single submitter. Criteria: ACMG Guidelines, 2015. Collection method: clinical testing. Allele origin: unknown. Affected: yes.
Comment: This variant was determined to be of uncertain significance according to ACMG Guidelines, 2015 [PMID:25741868].

Literature cited by the submitters: PubMed 35619721 (cited by Genomenon, Inc and Labcorp Genetics (formerly Invitae), Labcorp).